The following is an entry in ClinVar:

NM_001349338.3(FOXP1):c.1655_1656dup (p.Pro553fs)

Gene: FOXP1 (forkhead box P1; minus strand). Cytogenetic location: 3p13.
Variant type: Duplication.
Coding change: c.1655_1656dup on transcript NM_001349338.3 (MANE Select); coding-DNA positions 1655 to 1656, 2 bases duplicated (AC; older notation c.1655_1656dupAC).
Protein change: p.Pro553fs; shifts the reading frame from proline 553.
Molecular consequence: frameshift variant. On other transcripts: non-coding transcript variant (2).
Genome position (GRCh38, 1-based): chr3:70,970,802-70,970,803, GT duplicated on the plus strand (AC on the coding strand, the reverse complement: FOXP1 is on the minus strand). VCF-style (leftmost placement, unchanged base first): chr3-70970801-G-GGT. GRCh37 (hg19) VCF-style: chr3-71019952-G-GGT.
Other names: c.1652_1653dup, p.Pro552fs (NM_001244808.3, NM_001349341.3); c.1703_1704dup, p.Pro569fs (NM_001244810.2); c.1427_1428dup, p.Pro477fs (NM_001244812.3); c.1355_1356dup, p.Pro453fs (NM_001244813.3, NM_001244815.2, NM_001349342.3); c.1655_1656dup, p.Pro553fs (NM_001244814.3, NM_001244816.2, NM_001349340.3 and 1 more transcripts); c.1352_1353dup, p.Pro452fs (NM_001349337.2, NM_001349343.3, NM_001349344.3 and 1 more transcripts); short protein forms P453fs, P553fs, P552fs, P452fs, P569fs, P477fs.
Identifiers: ClinVar variation 4728813 (VCV004728813.1).
Genomic context (GRCh38, chr3:70,970,801, plus strand): 5'-AAGCTGCATTGAGAGGTGTGCAGTAGGCGTGGCTGCTCTGCATGTTTTTAATAAGGGAAG[G>GGT]GTTACTGTGTAAGAAAAACATAAAAACTCAAAGTTAAACACAGTCGACTGCTGAGTTCCT-3'

ClinVar aggregate classification (germline): Pathogenic (1 of 4 stars; one submission).

Submission:

Labcorp Genetics (formerly Invitae), Labcorp
Classification: Pathogenic. Last evaluated: 2025-10-09. Review status: criteria provided, single submitter. Criteria: Invitae Variant Classification Sherloc (09022015). Collection method: clinical testing. Allele origin: germline.
Comment: This sequence change creates a premature translational stop signal (p.Pro553Thrfs*47) in the FOXP1 gene. It is expected to result in an absent or disrupted protein product. Loss-of-function variants in FOXP1 are known to be pathogenic (PMID: 28735298). This variant is not present in population databases (gnomAD no frequency). This variant has not been reported in the literature in individuals affected with FOXP1-related conditions. For these reasons, this variant has been classified as Pathogenic.

Literature cited by the submitters: PubMed 28735298.